The following is an entry in ClinVar:

ClinVar aggregate classification (germline): Pathogenic/Likely pathogenic. Review status: criteria provided, multiple submitters, no conflicts (2 of 4 stars). 2 submissions from 2 submitters: Pathogenic (1); Likely pathogenic (1). Last evaluated 2024-02-29.

Conditions:
Autosomal recessive nonsyndromic hearing loss 77. Identifiers: Orphanet 90636, MedGen C2746083, MONDO:0013119, OMIM 613079.

Allele frequency attached by ClinVar (database versions not stated): gnomAD exomes below 0.00001 and 0.00001.

Submissions (2):

Fulgent Genetics
Classification: Likely pathogenic for Autosomal recessive nonsyndromic hearing loss 77. Last evaluated: 2024-02-29. Review status: criteria provided, single submitter. Criteria: ACMG Guidelines, 2015. Collection method: clinical testing. Allele origin: germline.

Labcorp Genetics (formerly Invitae), Labcorp
Classification: Pathogenic. Last evaluated: 2024-01-21. Review status: criteria provided, single submitter. Criteria: Invitae Variant Classification Sherloc (09022015). Collection method: clinical testing. Allele origin: germline.
Comment: This sequence change creates a premature translational stop signal (p.Leu513Argfs*23) in the LOXHD1 gene. It is expected to result in an absent or disrupted protein product. Loss-of-function variants in LOXHD1 are known to be pathogenic (PMID: 19732867, 21465660, 25792669). This variant is present in population databases (no rsID available, gnomAD 0.01%). This variant has not been reported in the literature in individuals affected with LOXHD1-related conditions. ClinVar contains an entry for this variant (Variation ID: 1457386). For these reasons, this variant has been classified as Pathogenic.

Literature cited by the submitters: PubMed 19732867 (cited by Labcorp Genetics (formerly Invitae), Labcorp); PubMed 21465660 (cited by Labcorp Genetics (formerly Invitae), Labcorp); PubMed 25792669 (cited by Labcorp Genetics (formerly Invitae), Labcorp).

NM_001384474.1(LOXHD1):c.1538del (p.Leu513fs)

Gene: LOXHD1 (lipoxygenase homology PLAT domains 1; minus strand). Cytogenetic location: 18q21.1.
Variant type: Deletion.
Coding change: c.1538del on transcript NM_001384474.1 (MANE Select); coding-DNA position 1538, one base deleted (T; older notation c.1538delT).
Protein change: p.Leu513fs; shifts the reading frame from leucine 513.
Molecular consequence: frameshift variant.
Genome position (GRCh38, 1-based): chr18:46,592,049, A deleted on the plus strand (T on the coding strand, the reverse complement: LOXHD1 is on the minus strand). VCF-style (leftmost placement, unchanged base first): chr18-46592048-CA-C. GRCh37 (hg19) VCF-style: chr18-44172011-CA-C.
Other names: c.1538del (NM_144612.6); c.1538del, p.Leu513fs (NM_144612.7); short protein forms L513fs.
Identifiers: ClinVar variation 1457386 (VCV001457386.7), dbSNP rs1568206162, ClinGen allele CA629503168.